The following is an entry in ClinVar:

NM_032833.5(PPP1R15B):c.1457del (p.Pro486fs)

Gene: PPP1R15B (protein phosphatase 1 regulatory subunit 15B; minus strand). Cytogenetic location: 1q32.1.
Variant type: Deletion.
Coding change: c.1457del on transcript NM_032833.5 (MANE Select); coding-DNA position 1457, one base deleted (C; older notation c.1457delC).
Protein change: p.Pro486fs; shifts the reading frame from proline 486.
Molecular consequence: frameshift variant.
Genome position (GRCh38, 1-based): chr1:204,409,955, G deleted on the plus strand (C on the coding strand, the reverse complement: PPP1R15B is on the minus strand); the first of 2 consecutive G bases (chr1:204,409,955-204,409,956); deleting either gives the same sequence. VCF-style (leftmost placement, unchanged base first): chr1-204409954-AG-A. GRCh37 (hg19) VCF-style: chr1-204379082-AG-A.
Other names: short protein forms P486fs.
Identifiers: ClinVar variation 2501853 (VCV002501853.2), dbSNP rs1265514317, ClinGen allele CA730363493.
Genomic context (GRCh38, chr1:204,409,954, plus strand): 5'-CTCTTCAGGAACAATTCTGGCAGCAGTCTGAATTGTTGCTGTAAAGTTCTGGGGATTATA[AG>A]GATCTACACTGCAGAAAGAGTTCCAAAGGTGAAGCCCTTCAGGGTCTTGTTCAAGGTCTG-3'

ClinVar aggregate classification (germline): Uncertain significance (1 of 4 stars; one submission).

Submission:

GeneDx
Classification: Uncertain significance. Last evaluated: 2025-10-30. Review status: criteria provided, single submitter. Criteria: GeneDx Variant Classification Process June 2021. Collection method: clinical testing. Allele origin: germline.
Comment: Frameshift variant predicted to result in protein truncation or nonsense mediated decay in a gene or region of a gene for which loss of function is not a well-established mechanism of disease; Not observed at significant frequency in large population cohorts (gnomAD); Has not been previously published as pathogenic or benign to our knowledge